The following is an entry in ClinVar:

ClinVar aggregate classification (germline): Pathogenic (1 of 4 stars; one submission).

Conditions:
Polycystic kidney disease, adult type (PKD1). Also called: Polycystic Kidney Disease 1, Autosomal Dominant; POLYCYSTIC KIDNEY DISEASE, ADULT, TYPE I; Polycystic kidney disease 1; Polycystic kidney disease 1, severe; POLYCYSTIC KIDNEY DISEASE 1 WITH OR WITHOUT POLYCYSTIC LIVER DISEASE; Polycystic Kidney, Autosomal Dominant. Identifiers: MedGen C3149841, MONDO:0008263, OMIM 173900.

Submission:

MVZ Medizinische Genetik Mainz
Classification: Pathogenic for Polycystic kidney disease, adult type. Last evaluated: 2026-02-11. Review status: criteria provided, single submitter. Criteria: UK Practice Guidelines For Variant Classification V4 01 2020. Collection method: clinical testing. Allele origin: germline. Inheritance: Autosomal dominant inheritance. Affected: yes. Observed: 1 variant allele.
Comment: ACMG Criteria: PVS1,PM2_SUP,PP4

NM_001009944.3(PKD1):c.3724_3725delinsTA (p.Thr1242Ter)

Gene: PKD1 (polycystin 1, transient receptor potential channel interacting; minus strand). Cytogenetic location: 16p13.3.
Variant type: Indel.
Coding change: c.3724_3725delinsTA on transcript NM_001009944.3 (MANE Select); coding-DNA positions 3724 to 3725, AC replaced by TA.
Protein change: p.Thr1242Ter; replaces threonine 1242 with a stop codon.
Molecular consequence: nonsense.
Genome position (GRCh38, 1-based): chr16:2,111,442-2,111,443, GT replaced by TA on the plus strand (AC replaced by TA on the coding strand, the reverse complement: PKD1 is on the minus strand). VCF-style: chr16-2111442-GT-TA. GRCh37 (hg19) VCF-style: chr16-2161443-GT-TA.
Other names: c.3724_3725delinsTA, p.Thr1242Ter (NM_000296.4); short protein forms T1242*.
Identifiers: ClinVar variation 5038099 (VCV005038099.1).